The following is an entry in ClinVar:

NM_005732.4(RAD50):c.1639G>A (p.Asp547Asn)

Gene: RAD50 (RAD50 double strand break repair protein; plus strand). Cytogenetic location: 5q31.1.
Variant type: single nucleotide variant.
Coding change: c.1639G>A on transcript NM_005732.4 (MANE Select); coding-DNA position 1639, G replaced by A.
Protein change: p.Asp547Asn; replaces aspartic acid 547 with asparagine.
Molecular consequence: missense variant.
Genome position (GRCh38, 1-based): chr5:132,591,880, G>A. VCF-style: chr5-132591880-G-A. GRCh37 (hg19) VCF-style: chr5-131927572-G-A.
Other names: short protein forms D547N.
Identifiers: ClinVar variation 2826006 (VCV002826006.3), dbSNP rs2149842616, ClinGen allele CA360946275.
Genomic context (GRCh38, chr5:132,591,880, plus strand): 5'-TTGATATAATGTGGAGATATAGACTTTATTTTTAAAAGATTTTTTTTTTACCTATAGGCT[G>A]ACAAAGATGAACAAATCAGAAAAATAAAATCTAGGCACAGTGATGAATTAACCTCACTGT-3'
Protein context (NP_005723.2, residues 537-557): QMEMLTKDKA[Asp547Asn]KDEQIRKIKS

ClinVar aggregate classification (germline): Uncertain significance (1 of 4 stars; one submission).

Conditions:
Hereditary cancer-predisposing syndrome. Also called: Neoplastic Syndromes, Hereditary; Hereditary neoplastic syndrome; Tumor predisposition; Hereditary Cancer Syndrome. Identifiers: Orphanet 140162, MedGen C0027672, MeSH D009386, MONDO:0015356.

Submission:

Labcorp Genetics (formerly Invitae), Labcorp
Classification: Uncertain significance for Hereditary cancer-predisposing syndrome. Last evaluated: 2023-01-02. Review status: criteria provided, single submitter. Criteria: Invitae Variant Classification Sherloc (09022015). Collection method: clinical testing. Allele origin: germline.
Comment: This variant is not present in population databases (gnomAD no frequency). This sequence change replaces aspartic acid, which is acidic and polar, with asparagine, which is neutral and polar, at codon 547 of the RAD50 protein (p.Asp547Asn). This variant has not been reported in the literature in individuals affected with RAD50-related conditions. In summary, the available evidence is currently insufficient to determine the role of this variant in disease. Therefore, it has been classified as a Variant of Uncertain Significance. Advanced modeling of protein sequence and biophysical properties (such as structural, functional, and spatial information, amino acid conservation, physicochemical variation, residue mobility, and thermodynamic stability) performed at Invitae indicates that this missense variant is not expected to disrupt RAD50 protein function.